The following is an entry in ClinVar:

ClinVar aggregate classification (germline): Uncertain significance (1 of 4 stars; one submission).

Submission:

Labcorp Genetics (formerly Invitae), Labcorp
Classification: Uncertain significance. Last evaluated: 2024-10-08. Review status: criteria provided, single submitter. Criteria: Invitae Variant Classification Sherloc (09022015). Collection method: clinical testing. Allele origin: germline.
Comment: This sequence change replaces proline, which is neutral and non-polar, with serine, which is neutral and polar, at codon 406 of the SON protein (p.Pro406Ser). This variant is not present in population databases (gnomAD no frequency). This variant has not been reported in the literature in individuals affected with SON-related conditions. An algorithm developed to predict the effect of missense changes on protein structure and function (PolyPhen-2) suggests that this variant is likely to be disruptive. In summary, the available evidence is currently insufficient to determine the role of this variant in disease. Therefore, it has been classified as a Variant of Uncertain Significance.

NM_138927.4(SON):c.1216C>T (p.Pro406Ser)

Gene: SON (SON DNA and RNA binding protein; plus strand). Cytogenetic location: 21q22.11.
Variant type: single nucleotide variant.
Coding change: c.1216C>T on transcript NM_138927.4 (MANE Select); coding-DNA position 1216, C replaced by T.
Protein change: p.Pro406Ser; replaces proline 406 with serine.
Molecular consequence: missense variant. On other transcripts: non-coding transcript variant (1), intron variant (1).
Genome position (GRCh38, 1-based): chr21:33,550,447, C>T. VCF-style: chr21-33550447-C-T. GRCh37 (hg19) VCF-style: chr21-34922753-C-T.
Other names: c.1216C>T, p.Pro406Ser (NM_001291411.2, NM_032195.3); c.244+4068C>T (NM_001291412.3); short protein forms P406S.
Identifiers: ClinVar variation 3684817 (VCV003684817.2).